The following is an entry in ClinVar:

ClinVar aggregate classification (germline): Uncertain significance. Review status: criteria provided, multiple submitters, no conflicts (2 of 4 stars). 2 submissions from 2 submitters: Uncertain significance (2). Last evaluated 2025-03-27.

Conditions:
DICER1-related tumor predisposition. Also called: DICER1 syndrome; DICER1-related pleuropulmonary blastoma cancer predisposition syndrome. Identifiers: Orphanet 284343, MedGen C3839822, MONDO:0100216.
Hereditary cancer-predisposing syndrome. Also called: Neoplastic Syndromes, Hereditary; Hereditary Cancer Syndrome; Tumor predisposition; Hereditary neoplastic syndrome. Identifiers: Orphanet 140162, MedGen C0027672, MeSH D009386, MONDO:0015356.

Allele frequency attached by ClinVar (database versions not stated): gnomAD exomes below 0.00001; TOPMed below 0.00001; gnomAD 0.00001.
gnomAD v4.1: 3 of 1,614,052 alleles (0.00019%); highest among the groups gnomAD compares: Non-Finnish European, 0.00025%; no homozygotes.

Submissions (2):

Labcorp Genetics (formerly Invitae), Labcorp
Classification: Uncertain significance for DICER1-related tumor predisposition. Last evaluated: 2025-03-27. Review status: criteria provided, single submitter. Criteria: Invitae Variant Classification Sherloc (09022015). Collection method: clinical testing. Allele origin: germline.
Comment: This sequence change replaces serine, which is neutral and polar, with alanine, which is neutral and non-polar, at codon 1286 of the DICER1 protein (p.Ser1286Ala). This variant is not present in population databases (gnomAD no frequency). This variant has not been reported in the literature in individuals affected with DICER1-related conditions. ClinVar contains an entry for this variant (Variation ID: 1510403). Invitae Evidence Modeling of protein sequence and biophysical properties (such as structural, functional, and spatial information, amino acid conservation, physicochemical variation, residue mobility, and thermodynamic stability) indicates that this missense variant is not expected to disrupt DICER1 protein function with a negative predictive value of 95%. In summary, the available evidence is currently insufficient to determine the role of this variant in disease. Therefore, it has been classified as a Variant of Uncertain Significance.

Ambry Genetics
Classification: Uncertain significance for Hereditary cancer-predisposing syndrome. Last evaluated: 2024-09-18. Review status: criteria provided, single submitter. Criteria: Ambry Variant Classification Scheme 2023. Collection method: clinical testing. Allele origin: germline.
Comment: The p.S1286A variant (also known as c.3856T>G), located in coding exon 20 of the DICER1 gene, results from a T to G substitution at nucleotide position 3856. The serine at codon 1286 is replaced by alanine, an amino acid with similar properties. This amino acid position is conserved. In addition, the in silico prediction for this alteration is inconclusive. Based on the available evidence, the clinical significance of this variant remains unclear.

NM_177438.3(DICER1):c.3856T>G (p.Ser1286Ala)

Gene: DICER1 (dicer 1, ribonuclease III; minus strand). Cytogenetic location: 14q32.13.
Variant type: single nucleotide variant.
Coding change: c.3856T>G on transcript NM_177438.3 (MANE Select); coding-DNA position 3856, T replaced by G.
Protein change: p.Ser1286Ala; replaces serine 1286 with alanine.
Molecular consequence: missense variant.
Genome position (GRCh38, 1-based): chr14:95,103,540, A>C on the plus strand (T>G on the coding strand, the complement: DICER1 is on the minus strand). VCF-style: chr14-95103540-A-C. GRCh37 (hg19) VCF-style: chr14-95569877-A-C.
Other names: c.3856T>G, p.Ser1286Ala (NM_001195573.1, NM_001271282.3, NM_001291628.2 and 1 more transcripts); short protein forms S1286A.
Identifiers: ClinVar variation 1510403 (VCV001510403.10), dbSNP rs111495226, ClinGen allele CA265905878.